The following is an entry in ClinVar:

ClinVar aggregate classification (germline): Pathogenic (1 of 4 stars; one submission).

Conditions:
Familial hemophagocytic lymphohistiocytosis 3 (FHL3). Also called: UNC13D-Related Familial Hemophagocytic Lymphohistiocytosis (UNC13D-fHLH). Identifiers: Orphanet 540, MedGen C1837174, MONDO:0012146, OMIM 608898.

Submission:

Labcorp Genetics (formerly Invitae), Labcorp
Classification: Pathogenic for Familial hemophagocytic lymphohistiocytosis 3. Last evaluated: 2022-07-30. Review status: criteria provided, single submitter. Criteria: Invitae Variant Classification Sherloc (09022015). Collection method: clinical testing. Allele origin: germline.
Comment: This sequence change creates a premature translational stop signal (p.Thr906Asnfs*4) in the UNC13D gene. It is expected to result in an absent or disrupted protein product. Loss-of-function variants in UNC13D are known to be pathogenic (PMID: 14622600). This variant is not present in population databases (gnomAD no frequency). This variant has not been reported in the literature in individuals affected with UNC13D-related conditions. For these reasons, this variant has been classified as Pathogenic.

Literature cited by the submitters: PubMed 14622600.

NM_199242.3(UNC13D):c.2716dup (p.Thr906fs)

Genes: UNC13D (unc-13 homolog D; minus strand), LOC112533672 (Sharpr-MPRA regulatory region 1193; plus strand). Cytogenetic location: 17q25.1.
Variant type: Duplication.
Coding change: c.2716dup on transcript NM_199242.3 (MANE Select); coding-DNA position 2716, one base duplicated (A; older notation c.2716dupA).
Protein change: p.Thr906fs; shifts the reading frame from threonine 906.
Molecular consequence: frameshift variant.
Genome position (GRCh38, 1-based): chr17:75,830,476, T duplicated on the plus strand (A on the coding strand, the reverse complement: UNC13D is on the minus strand); the first of 3 consecutive T bases (chr17:75,830,476-75,830,478); duplicating any one gives the same sequence. VCF-style (leftmost placement, unchanged base first): chr17-75830475-G-GT. GRCh37 (hg19) VCF-style: chr17-73826556-G-GT.
Other names: short protein forms T906fs.
Identifiers: ClinVar variation 2018314 (VCV002018314.4), dbSNP rs2545976918, ClinGen allele CA2580095202.